The following is an entry in ClinVar:

ClinVar aggregate classification (germline): Uncertain significance. Review status: criteria provided, multiple submitters, no conflicts (2 of 4 stars). 2 submissions from 2 submitters: Uncertain significance (2). Last evaluated 2024-01-22.

Conditions:
Hereditary cancer-predisposing syndrome. Also called: Neoplastic Syndromes, Hereditary; Tumor predisposition; Hereditary neoplastic syndrome; Hereditary Cancer Syndrome. Identifiers: Orphanet 140162, MedGen C0027672, MeSH D009386, MONDO:0015356.
Hereditary breast ovarian cancer syndrome. Also called: BRCA1- and BRCA2-Associated Hereditary Breast and Ovarian Cancer; Hereditary breast and ovarian cancer; Hereditary breast and ovarian cancer syndrome; Hereditary breast and/or ovarian cancer syndrome; Hereditary breast and ovarian cancer syndrome (HBOC); Breast and ovarian cancer. Identifiers: Orphanet 145, MedGen C0677776, MeSH D061325, MONDO:0003582. Disease mechanism: loss of function.

Submissions (2):

Color Diagnostics, LLC DBA Color Health
Classification: Uncertain significance for Hereditary cancer-predisposing syndrome. Last evaluated: 2024-01-22. Review status: criteria provided, single submitter. Criteria: ACMG Guidelines, 2015. Collection method: clinical testing. Allele origin: germline.
Comment: This missense variant replaces histidine with proline at codon 2361 of the BRCA2 protein. Computational prediction is inconclusive regarding the impact of this variant on protein structure and function (internally defined REVEL score threshold 0.5 < inconclusive < 0.7, PMID: 27666373). To our knowledge, functional studies have not been reported for this variant. This variant has not been reported in individuals affected with BRCA2-related disorders in the literature. This variant has not been identified in the general population by the Genome Aggregation Database (gnomAD). The available evidence is insufficient to determine the role of this variant in disease conclusively. Therefore, this variant is classified as a Variant of Uncertain Significance.

Labcorp Genetics (formerly Invitae), Labcorp
Classification: Uncertain significance for Hereditary breast ovarian cancer syndrome. Last evaluated: 2021-02-03. Review status: criteria provided, single submitter. Criteria: Invitae Variant Classification Sherloc (09022015). Collection method: clinical testing. Allele origin: germline.
Comment: This variant is not present in population databases (ExAC no frequency). This variant has not been reported in the literature in individuals with BRCA2-related conditions. Advanced modeling of protein sequence and biophysical properties (such as structural, functional, and spatial information, amino acid conservation, physicochemical variation, residue mobility, and thermodynamic stability) performed at Invitae indicates that this missense variant is not expected to disrupt BRCA2 protein function. In summary, the available evidence is currently insufficient to determine the role of this variant in disease. Therefore, it has been classified as a Variant of Uncertain Significance. This sequence change replaces histidine with proline at codon 2361 of the BRCA2 protein (p.His2361Pro). The histidine residue is moderately conserved and there is a moderate physicochemical difference between histidine and proline.

NM_000059.4(BRCA2):c.7082A>C (p.His2361Pro)

Gene: BRCA2 (BRCA2 DNA repair associated; plus strand). Cytogenetic location: 13q13.1.
Variant type: single nucleotide variant.
Coding change: c.7082A>C on transcript NM_000059.4 (MANE Select); coding-DNA position 7082, A replaced by C.
Protein change: p.His2361Pro; replaces histidine 2361 with proline.
Molecular consequence: missense variant.
Genome position (GRCh38, 1-based): chr13:32,354,935, A>C. VCF-style: chr13-32354935-A-C. GRCh37 (hg19) VCF-style: chr13-32929072-A-C.
Other names: short protein forms H2361P.
Identifiers: ClinVar variation 1369535 (VCV001369535.9), dbSNP rs876659579, ClinGen allele CA387738469.